The following is an entry in ClinVar:

ClinVar aggregate classification (germline): Uncertain significance (1 of 4 stars; one submission).

Allele frequency attached by ClinVar (database versions not stated): gnomAD 0.00008; gnomAD exomes 0.00016; ExAC 0.00029; 1000 Genomes Project 30x 0.00047; 1000 Genomes Project 0.00060.
gnomAD v4.1: 243 of 1,612,568 alleles (0.015%); highest among the groups gnomAD compares: Middle Eastern, 0.29%; 5 homozygotes.

Submission:

Labcorp Genetics (formerly Invitae), Labcorp
Classification: Uncertain significance. Last evaluated: 2024-09-21. Review status: criteria provided, single submitter. Criteria: Invitae Variant Classification Sherloc (09022015). Collection method: clinical testing. Allele origin: germline.
Comment: This sequence change replaces arginine, which is basic and polar, with tryptophan, which is neutral and slightly polar, at codon 53 of the TBXA2R protein (p.Arg53Trp). The frequency data for this variant in the population databases is considered unreliable, as metrics indicate poor data quality at this position in the gnomAD database. This variant has not been reported in the literature in individuals affected with TBXA2R-related conditions. Invitae Evidence Modeling of protein sequence and biophysical properties (such as structural, functional, and spatial information, amino acid conservation, physicochemical variation, residue mobility, and thermodynamic stability) indicates that this missense variant is not expected to disrupt TBXA2R protein function with a negative predictive value of 80%. In summary, the available evidence is currently insufficient to determine the role of this variant in disease. Therefore, it has been classified as a Variant of Uncertain Significance.

NM_001060.6(TBXA2R):c.157C>T (p.Arg53Trp)

Gene: TBXA2R (thromboxane A2 receptor; minus strand). Cytogenetic location: 19p13.3.
Variant type: single nucleotide variant.
Coding change: c.157C>T on transcript NM_001060.6 (MANE Select); coding-DNA position 157, C replaced by T.
Protein change: p.Arg53Trp; replaces arginine 53 with tryptophan.
Molecular consequence: missense variant.
Genome position (GRCh38, 1-based): chr19:3,600,478, G>A on the plus strand (C>T on the coding strand, the complement: TBXA2R is on the minus strand). VCF-style: chr19-3600478-G-A. GRCh37 (hg19) VCF-style: chr19-3600476-G-A.
Other names: c.157C>T, p.Arg53Trp (NM_201636.3); short protein forms R53W.
Identifiers: ClinVar variation 2715070 (VCV002715070.3), dbSNP rs201236133, ClinGen allele CA9080920.
Genomic context (GRCh38, chr19:3,600,478, plus strand): 5'-TGAGGACGAGGCCGCAGAGGAAGGTGAGGAAGGAGGAGCGCGTGTGCGAACCCCCCTGCC[G>A]CGCGCCCGCCAGCACGCTCAGGGCCAGCAGGTTGGAGGCCAGGCCCACCACGCAGAAGGA-3'
Protein context (NP_001051.1, residues 43-63): LLALSVLAGA[Arg53Trp]QGGSHTRSSF